The following is an entry in ClinVar:

ClinVar aggregate classification (germline): Conflicting classifications of pathogenicity. Review status: criteria provided, conflicting classifications (1 of 4 stars). 7 submissions from 7 submitters: Likely pathogenic (3); Uncertain significance (4). Last evaluated 2026-01-19.

Conditions:
Autosomal recessive limb-girdle muscular dystrophy. Identifiers: Orphanet 102015, MedGen C2931907, MONDO:0015152.
Autosomal recessive limb-girdle muscular dystrophy type 2N. Also called: MUSCULAR DYSTROPHY-DYSTROGLYCANOPATHY, LIMB-GIRDLE, POMT2-RELATED; Muscular dystrophy-dystroglycanopathy (limb-girdle), type C, 2. Identifiers: Orphanet 206559, MedGen C3150418, MONDO:0013162, OMIM 613158.
Muscular dystrophy-dystroglycanopathy (congenital with brain and eye anomalies), type A2. Also called: MUSCULAR DYSTROPHY-DYSTROGLYCANOPATHY (CONGENITAL WITH BRAIN AND EYE ANOMALIES), TYPE A, 2; WALKER-WARBURG SYNDROME OR MUSCLE-EYE-BRAIN DISEASE, POMT2-RELATED. Identifiers: Orphanet 588, Orphanet 899, MedGen C3150411, MONDO:0013154, OMIM 613150.
Muscular dystrophy-dystroglycanopathy (congenital with impaired intellectual development), type B, 2. Also called: MUSCULAR DYSTROPHY, CONGENITAL, POMT2-RELATED; Muscular dystrophy-dystroglycanopathy (congenital with intellectual disability), type B2. Identifiers: MedGen C3150416, MONDO:0013160, OMIM 613156.

Allele frequency attached by ClinVar (database versions not stated): gnomAD exomes below 0.00001 and 0.00001.
gnomAD v4.1: 12 of 1,613,716 alleles (0.00074%); highest among the groups gnomAD compares: South Asian, 0.0011%; no homozygotes.

Submissions (7):

Labcorp Genetics (formerly Invitae), Labcorp
Classification: Likely pathogenic for Muscular dystrophy-dystroglycanopathy (congenital with impaired intellectual development), type B, 2; Muscular dystrophy-dystroglycanopathy (congenital with brain and eye anomalies), type A2; Autosomal recessive limb-girdle muscular dystrophy type 2N. Last evaluated: 2026-01-19. Review status: criteria provided, single submitter. Criteria: Invitae Variant Classification Sherloc (09022015). Collection method: clinical testing. Allele origin: germline.
Comment: This sequence change replaces proline, which is neutral and non-polar, with leucine, which is neutral and non-polar, at codon 653 of the POMT2 protein (p.Pro653Leu). This variant is present in population databases (rs794727228, gnomAD 0.006%). This missense change has been observed in individual(s) with clinical features of POMT2-related conditions (internal data). In at least one individual the data is consistent with being in trans (on the opposite chromosome) from a pathogenic variant. It has also been observed to segregate with disease in related individuals. ClinVar contains an entry for this variant (Variation ID: 194966). Invitae Evidence Modeling of protein sequence and biophysical properties (such as structural, functional, and spatial information, amino acid conservation, physicochemical variation, residue mobility, and thermodynamic stability) has been performed for this missense variant. However, the output from this modeling did not meet the statistical confidence thresholds required to predict the impact of this variant on POMT2 protein function. In summary, the currently available evidence indicates that the variant is pathogenic, but additional data are needed to prove that conclusively. Therefore, this variant has been classified as Likely Pathogenic.

GeneDx
Classification: Uncertain significance. Last evaluated: 2025-08-27. Review status: criteria provided, single submitter. Criteria: GeneDx Variant Classification Process June 2021. Collection method: clinical testing. Allele origin: germline. Affected: yes.
Comment: Not observed at significant frequency in large population cohorts (gnomAD); In silico analysis supports that this missense variant has a deleterious effect on protein structure/function; Has not been previously published as pathogenic or benign to our knowledge; This variant is associated with the following publications: (PMID: 26950094)

Women's Health and Genetics/Laboratory Corporation of America, LabCorp
Classification: Likely pathogenic for Autosomal recessive limb-girdle muscular dystrophy. Last evaluated: 2025-06-20. Review status: criteria provided, single submitter. Criteria: LabCorp Variant Classification Summary - May 2015. Collection method: clinical testing. Allele origin: germline.
Comment: Variant summary: POMT2 c.1958C>T (p.Pro653Leu) results in a non-conservative amino acid change located in the Protein O-mannosyl-transferase, C-terminal four TM domain (IPR032421) of the encoded protein sequence. Algorithms developed to predict the effect of missense changes on protein structure and function all suggest that this variant is likely to be disruptive. The variant allele was found at a frequency of 4e-06 in 251282 control chromosomes. c.1958C>T has been observed in the homozygous and presumed compound heterozygous state in at least 3 individual(s) affected with autosomal recessive Limb-Girdle Muscular Dystrophy, Autosomal Recessive (Labcorp Genetics (formerlyInvitae)), including at least 1 family where it segregated with disease. These data indicate that the variant is likely to be associated with disease. To our knowledge, no experimental evidence demonstrating an impact on protein function has been reported. ClinVar contains an entry for this variant (Variation ID: 194966). Based on the evidence outlined above, the variant was classified as likely pathogenic.

3billion
Classification: Uncertain significance for Muscular dystrophy-dystroglycanopathy (congenital with impaired intellectual development), type B, 2. Last evaluated: 2024-12-10. Review status: criteria provided, single submitter. Criteria: ACMG Guidelines, 2015. Collection method: clinical testing. Allele origin: germline. Affected: yes.
Comment: The variant is observed at an extremely low frequency in the gnomAD v4.1.0 dataset (total allele frequency: <0.001%). Predicted Consequence/Location: Missense variant. The majority of the known disease-causing variants of this gene are variants expected to result in premature termination of the protein. In silico tool predictions suggest damaging effect of the variant on gene or gene product [REVEL: 0.94 (>=0.6, sensitivity 0.68 and specificity 0.92); 3Cnet: 0.95 (>=0.6, sensitivity 0.72 and precision 0.9)]. The same nucleotide change resulting in the same amino acid change has been previously reported to be associated with POMT2-related disorder (ClinVar ID: VCV000194966). However, the evidence of pathogenicity is insufficient at this time. Therefore, this variant is classified as VUS according to the recommendation of ACMG/AMP guideline.

Fulgent Genetics
Classification: Likely pathogenic for Muscular dystrophy-dystroglycanopathy (congenital with brain and eye anomalies), type A2; Muscular dystrophy-dystroglycanopathy (congenital with impaired intellectual development), type B, 2; Autosomal recessive limb-girdle muscular dystrophy type 2N. Last evaluated: 2024-04-17. Review status: criteria provided, single submitter. Criteria: ACMG Guidelines, 2015. Collection method: clinical testing. Allele origin: germline.

CeGaT Center for Human Genetics Tuebingen
Classification: Uncertain significance. Last evaluated: 2018-05-01. Review status: criteria provided, single submitter. Criteria: CeGaT Center For Human Genetics Tuebingen Variant Classification Criteria Version 2. Collection method: clinical testing. Allele origin: germline. Affected: yes. Observed: 1 variant allele.

Eurofins Ntd Llc (ga)
Classification: Uncertain significance. Last evaluated: 2015-05-21. Review status: criteria provided, single submitter. Criteria: EGL Classification Definitions 2015. Collection method: clinical testing. Allele origin: germline. Observed: 4 variant alleles, 4 heterozygotes.

Literature cited by the submitters: PubMed 26950094 (cited by Women's Health and Genetics/Laboratory Corporation of America, LabCorp).

NM_013382.7(POMT2):c.1958C>T (p.Pro653Leu)

Gene: POMT2 (protein O-mannosyltransferase 2; minus strand). Cytogenetic location: 14q24.3.
Variant type: single nucleotide variant.
Coding change: c.1958C>T on transcript NM_013382.7 (MANE Select); coding-DNA position 1958, C replaced by T.
Protein change: p.Pro653Leu; replaces proline 653 with leucine.
Molecular consequence: missense variant.
Genome position (GRCh38, 1-based): chr14:77,278,803, G>A on the plus strand (C>T on the coding strand, the complement: POMT2 is on the minus strand). VCF-style: chr14-77278803-G-A. GRCh37 (hg19) VCF-style: chr14-77745146-G-A.
Other names: short protein forms P653L.
Identifiers: ClinVar variation 194966 (VCV000194966.59), dbSNP rs794727228, ClinGen allele CA241219.